The following is an entry in ClinVar:

NM_014625.4(NPHS2):c.709G>C (p.Glu237Gln)

Gene: NPHS2 (NPHS2 stomatin family member, podocin; minus strand). Cytogenetic location: 1q25.2.
Variant type: single nucleotide variant.
Coding change: c.709G>C on transcript NM_014625.4 (MANE Select); coding-DNA position 709, G replaced by C.
Protein change: p.Glu237Gln; replaces glutamic acid 237 with glutamine.
Molecular consequence: missense variant. On other transcripts: intron variant (1).
Genome position (GRCh38, 1-based): chr1:179,557,056, C>G on the plus strand (G>C on the coding strand, the complement: NPHS2 is on the minus strand). VCF-style: chr1-179557056-C-G. GRCh37 (hg19) VCF-style: chr1-179526191-C-G.
Other names: c.535-2525G>C (NM_001297575.2); short protein forms E237Q.
Identifiers: ClinVar variation 596903 (VCV000596903.25), dbSNP rs146906190, ClinGen allele CA1267151.
Genomic context (GRCh38, chr1:179,557,056, plus strand): 5'-AGCATATTGGCCATTATGTTTATCTAAGTACCTTTGCATCTTGGGCGATGCTCTTCCTCT[C>G]TAGAAGAATTTCAGTGAGGGATCGATGTGCTAGGAGACGCTTCATAGTGGTTTGCACAAG-3'
Protein context (NP_055440.1, residues 227-247): AHRSLTEILL[Glu237Gln]RKSIAQDAKV

ClinVar aggregate classification (germline): Conflicting classifications of pathogenicity. Review status: criteria provided, conflicting classifications (1 of 4 stars). 8 submissions from 8 submitters: Uncertain significance (1); Benign (1); Likely benign (4). 2 of the submissions do not count toward it. Last evaluated 2026-02-04.

Conditions:
Nephrotic syndrome, type 2 (NPHS2). Also called: NEPHROTIC SYNDROME, STEROID-RESISTANT, AUTOSOMAL RECESSIVE. Identifiers: Orphanet 656, MedGen C1868672, MONDO:0010974, OMIM 600995.
NPHS2-related disorder. Also called: NPHS2-related condition.
Focal segmental glomerulosclerosis (FSGS). Also called: Glomerulosclerosis, focal; Focal sclerosis with hyalinosis. Identifiers: MedGen C0017668, MONDO:0100313, HP:0000097. Disease mechanism: loss of function.
Steroid-resistant nephrotic syndrome. Identifiers: MedGen C0403397, MONDO:0044765, HP:0012588.

Allele frequency attached by ClinVar (database versions not stated): 1000 Genomes Project 30x 0.00031; gnomAD 0.00040 and 0.00044; gnomAD exomes 0.00051 and 0.00077; TOPMed 0.00055; ESP Exome Variant Server 0.00069; ExAC 0.00074; 1000 Genomes Project 0.00020.
gnomAD v4.1: 851 of 1,613,950 alleles (0.053%); highest among the groups gnomAD compares: Middle Eastern, 1.6%; 6 homozygotes.

Submissions (8):

Labcorp Genetics (formerly Invitae), Labcorp
Classification: Benign. Last evaluated: 2026-02-04. Review status: criteria provided, single submitter. Criteria: Invitae Variant Classification Sherloc (09022015). Collection method: clinical testing. Allele origin: germline.

Blueprint Genetics
Classification: Likely benign. Last evaluated: 2024-11-13. Review status: criteria provided, single submitter. Criteria: ACMG Guidelines, 2015. Collection method: clinical testing. Allele origin: germline.

Genome Diagnostics Laboratory, The Hospital for Sick Children
Classification: Likely benign for Focal segmental glomerulosclerosis. Last evaluated: 2021-10-13. Review status: criteria provided, single submitter. Criteria: ACMG Guidelines, 2015. Collection method: clinical testing. Allele origin: germline.

GeneDx
Classification: Likely benign. Last evaluated: 2020-03-10. Review status: criteria provided, single submitter. Criteria: GeneDx Variant Classification Process June 2021. Collection method: clinical testing. Allele origin: germline. Affected: yes.
Comment: See Variant Classification Assertion Criteria.

Eurofins Ntd Llc (ga)
Classification: Likely benign. Last evaluated: 2018-04-23. Review status: criteria provided, single submitter. Criteria: EGL ClinVar v180209 classification definitions. Collection method: clinical testing. Allele origin: germline. Observed: 1 variant allele, 1 heterozygote.

Illumina Laboratory Services, Illumina
Classification: Uncertain significance for Nephrotic syndrome, type 2. Last evaluated: 2017-04-27. Review status: criteria provided, single submitter. Criteria: ICSL Variant Classification Criteria 13 December 2019. Collection method: clinical testing. Allele origin: germline.
Comment: This variant was observed as part of a predisposition screen in an ostensibly healthy population. A literature search was performed for the gene, cDNA change, and amino acid change (where applicable). Publications were found based on this search. However, the evidence from the literature, in combination with allele frequency data from public databases where available, was not sufficient to rule this variant in or out of causing disease. Therefore, this variant is classified as a variant of unknown significance.

PreventionGenetics, part of Exact Sciences
Classification: Likely benign for NPHS2-related condition. Last evaluated: 2022-03-03. Review status: no assertion criteria provided. Collection method: clinical testing. Allele origin: germline. Not counted in ClinVar's aggregate classification.
Comment: This variant is classified as likely benign based on ACMG/AMP sequence variant interpretation guidelines (Richards et al. 2015 PMID: 25741868, with internal and published modifications).

Natera, Inc.
Classification: Benign for Steroid-resistant nephrotic syndrome. Last evaluated: 2020-01-12. Review status: no assertion criteria provided. Collection method: clinical testing. Allele origin: germline. Not counted in ClinVar's aggregate classification.

Literature cited by the submitters: PubMed 14978175 (cited by Illumina Laboratory Services, Illumina).